The following is an entry in ClinVar:

ClinVar aggregate classification (germline): Uncertain significance. Review status: criteria provided, multiple submitters, no conflicts (2 of 4 stars). 2 submissions from 2 submitters: Uncertain significance (2). Last evaluated 2024-06-24.

Conditions:
Cardiovascular phenotype. Identifiers: MedGen CN230736.
Long QT syndrome (LQTS). Identifiers: MedGen C0023976, MeSH D008133, MONDO:0002442. Disease mechanism: loss of function. Inheritance: Various modes of inheritance.

Allele frequency attached by ClinVar (database versions not stated): TOPMed below 0.00001; gnomAD 0.00001; gnomAD exomes 0.00001; ExAC 0.00002; ESP Exome Variant Server 0.00008.
gnomAD v4.1: 62 of 1,613,970 alleles (0.0038%); highest among the groups gnomAD compares: Non-Finnish European, 0.0051%; no homozygotes.

Submissions (2):

Labcorp Genetics (formerly Invitae), Labcorp
Classification: Uncertain significance for Long QT syndrome. Last evaluated: 2024-06-24. Review status: criteria provided, single submitter. Criteria: Invitae Variant Classification Sherloc (09022015). Collection method: clinical testing. Allele origin: germline.
Comment: This sequence change replaces proline, which is neutral and non-polar, with serine, which is neutral and polar, at codon 2581 of the AKAP9 protein (p.Pro2581Ser). This variant is present in population databases (rs372955225, gnomAD 0.003%). This variant has not been reported in the literature in individuals affected with AKAP9-related conditions. ClinVar contains an entry for this variant (Variation ID: 526997). Algorithms developed to predict the effect of missense changes on protein structure and function output the following: SIFT: "Not Available"; PolyPhen-2: "Benign"; Align-GVGD: "Not Available". The serine amino acid residue is found in multiple mammalian species, which suggests that this missense change does not adversely affect protein function. In summary, the available evidence is currently insufficient to determine the role of this variant in disease. Therefore, it has been classified as a Variant of Uncertain Significance.

Ambry Genetics
Classification: Uncertain significance for Cardiovascular phenotype. Last evaluated: 2023-07-21. Review status: criteria provided, single submitter. Criteria: Ambry Variant Classification Scheme 2023. Collection method: clinical testing. Allele origin: germline.
Comment: The p.P2581S variant (also known as c.7741C>T), located in coding exon 31 of the AKAP9 gene, results from a C to T substitution at nucleotide position 7741. The proline at codon 2581 is replaced by serine, an amino acid with similar properties. This amino acid position is conserved. In addition, this alteration is predicted to be tolerated by in silico analysis. Since supporting evidence is limited at this time, the clinical significance of this alteration remains unclear.

NM_005751.5(AKAP9):c.7741C>T (p.Pro2581Ser)

Gene: AKAP9 (A-kinase anchoring protein 9; plus strand). Cytogenetic location: 7q21.2.
Variant type: single nucleotide variant.
Coding change: c.7741C>T on transcript NM_005751.5 (MANE Select); coding-DNA position 7741, C replaced by T.
Protein change: p.Pro2581Ser; replaces proline 2581 with serine.
Molecular consequence: missense variant.
Genome position (GRCh38, 1-based): chr7:92,079,874, C>T. VCF-style: chr7-92079874-C-T. GRCh37 (hg19) VCF-style: chr7-91709188-C-T.
Other names: c.2386C>T, p.Pro796Ser (NM_001379277.1); c.7717C>T, p.Pro2573Ser (NM_147185.3); short protein forms P2581S, P2573S, P796S.
Identifiers: ClinVar variation 526997 (VCV000526997.10), dbSNP rs372955225, ClinGen allele CA4337337.